The following is an entry in ClinVar:

NM_000238.4(KCNH2):c.865G>T (p.Glu289Ter)

Gene: KCNH2 (potassium voltage-gated channel subfamily H member 2; minus strand). Cytogenetic location: 7q36.1.
Variant type: single nucleotide variant.
Coding change: c.865G>T on transcript NM_000238.4 (MANE Select); coding-DNA position 865, G replaced by T.
Protein change: p.Glu289Ter; replaces glutamic acid 289 with a stop codon.
Molecular consequence: nonsense. On other transcripts: non-coding transcript variant (1).
Genome position (GRCh38, 1-based): chr7:150,958,110, C>A on the plus strand (G>T on the coding strand, the complement: KCNH2 is on the minus strand). VCF-style: chr7-150958110-C-A. GRCh37 (hg19) VCF-style: chr7-150655198-C-A.
Other names: c.577G>T, p.Glu193Ter (NM_001406753.1, NM_001406756.1); c.688G>T, p.Glu230Ter (NM_001406755.1); c.565G>T, p.Glu189Ter (NM_001406757.1); c.865G>T, p.Glu289Ter (NM_172056.3); short protein forms E189*, E193*, E230*, E289*.
Identifiers: ClinVar variation 3338695 (VCV003338695.1).

ClinVar aggregate classification (germline): Pathogenic (1 of 4 stars; one submission).

Submission:

GeneDx
Classification: Pathogenic. Last evaluated: 2024-01-16. Review status: criteria provided, single submitter. Criteria: GeneDx Variant Classification Process June 2021. Collection method: clinical testing. Allele origin: germline. Affected: yes.
Comment: Identified in at least one patient referred for LQTS genetic testing at GeneDx (PMID: 23631430); Not observed at significant frequency in large population cohorts (gnomAD); Nonsense variant predicted to result in protein truncation or nonsense mediated decay in a gene for which loss of function is a known mechanism of disease; This variant is associated with the following publications: (PMID: 30847666, 23631430)